The following is an entry in ClinVar:

NM_016213.5(TRIP4):c.530A>G (p.Lys177Arg)

Gene: TRIP4 (thyroid hormone receptor interactor 4; plus strand). Cytogenetic location: 15q22.31.
Variant type: single nucleotide variant.
Coding change: c.530A>G on transcript NM_016213.5 (MANE Select); coding-DNA position 530, A replaced by G.
Protein change: p.Lys177Arg; replaces lysine 177 with arginine.
Molecular consequence: missense variant. On other transcripts: 5 prime UTR variant (1), non-coding transcript variant (1).
Genome position (GRCh38, 1-based): chr15:64,397,730, A>G. VCF-style: chr15-64397730-A-G. GRCh37 (hg19) VCF-style: chr15-64689929-A-G.
Other names: c.-161A>G (NM_001321924.2); short protein forms K177R.
Identifiers: ClinVar variation 1308365 (VCV001308365.5), dbSNP rs143004733, ClinGen allele CA7609392.

ClinVar aggregate classification (germline): Uncertain significance. Review status: criteria provided, multiple submitters, no conflicts (2 of 4 stars). 4 submissions from 4 submitters: Uncertain significance (3). 1 of the submissions does not count toward it. Last evaluated 2025-09-29.

Conditions:
TRIP4-related disorder. Also called: TRIP4-related condition; TRIP4-related disorders.

Allele frequency attached by ClinVar (database versions not stated): gnomAD exomes below 0.00001 and 0.00004; ExAC 0.00003; TOPMed 0.00006; gnomAD 0.00009; ESP Exome Variant Server 0.00015.
gnomAD v4.1: 35 of 1,614,102 alleles (0.0022%); highest among the groups gnomAD compares: East Asian, 0.022%; no homozygotes.

Submissions (4):

Labcorp Genetics (formerly Invitae), Labcorp
Classification: Uncertain significance. Last evaluated: 2025-09-29. Review status: criteria provided, single submitter. Criteria: Invitae Variant Classification Sherloc (09022015). Collection method: clinical testing. Allele origin: germline.
Comment: This sequence change replaces lysine, which is basic and polar, with arginine, which is basic and polar, at codon 177 of the TRIP4 protein (p.Lys177Arg). This variant is present in population databases (rs143004733, gnomAD 0.03%). This variant has not been reported in the literature in individuals affected with TRIP4-related conditions. ClinVar contains an entry for this variant (Variation ID: 1308365). Invitae Evidence Modeling of protein sequence and biophysical properties (such as structural, functional, and spatial information, amino acid conservation, physicochemical variation, residue mobility, and thermodynamic stability) indicates that this missense variant is not expected to disrupt TRIP4 protein function with a negative predictive value of 80%. In summary, the available evidence is currently insufficient to determine the role of this variant in disease. Therefore, it has been classified as a Variant of Uncertain Significance.

Revvity Omics, Revvity
Classification: Uncertain significance. Last evaluated: 2023-11-30. Review status: criteria provided, single submitter. Criteria: ACMG Guidelines, 2015. Collection method: clinical testing. Allele origin: germline.

GeneDx
Classification: Uncertain significance. Last evaluated: 2019-03-26. Review status: criteria provided, single submitter. Criteria: GeneDx Variant Classification Process June 2021. Collection method: clinical testing. Allele origin: germline. Affected: yes.
Comment: Has not been previously published as pathogenic or benign to our knowledge; In silico analysis, which includes protein predictors and evolutionary conservation, supports that this variant does not alter protein structure/function

PreventionGenetics, part of Exact Sciences
Classification: Uncertain significance for TRIP4-related condition. Last evaluated: 2024-04-15. Review status: no assertion criteria provided. Collection method: clinical testing. Allele origin: germline. Not counted in ClinVar's aggregate classification.
Comment: The TRIP4 c.530A>G variant is predicted to result in the amino acid substitution p.Lys177Arg. To our knowledge, this variant has not been reported in the literature. This variant is reported in 0.030% of alleles in individuals of East Asian descent in gnomAD. At this time, the clinical significance of this variant is uncertain due to the absence of conclusive functional and genetic evidence.